The following is an entry in ClinVar:

ClinVar aggregate classification (germline): Uncertain significance (1 of 4 stars; one submission).

Submission:

GeneDx
Classification: Uncertain significance. Last evaluated: 2017-10-09. Review status: criteria provided, single submitter. Criteria: GeneDx Variant Classification (06012015). Collection method: clinical testing. Allele origin: germline. Affected: yes.
Comment: The Q879P variant in the TRIO gene has not been reported previously as a pathogenic variant, nor as a benign variant, to our knowledge. The Q879P variant is not observed in large population cohorts (Lek et al., 2016). The Q879P variant is a non-conservative amino acid substitution, which is likely to impact secondary protein structure as these residues differ in polarity, charge, size and/or other properties. This substitution occurs at a position that is conserved across species. In silico analysis predicts this variant is probably damaging to the protein structure/function. We interpret Q879P as a variant of uncertain significance.

NM_007118.4(TRIO):c.2636A>C (p.Gln879Pro)

Gene: TRIO (trio Rho guanine nucleotide exchange factor; plus strand). Cytogenetic location: 5p15.2.
Variant type: single nucleotide variant.
Coding change: c.2636A>C on transcript NM_007118.4 (MANE Select); coding-DNA position 2636, A replaced by C.
Protein change: p.Gln879Pro; replaces glutamine 879 with proline.
Molecular consequence: missense variant. On other transcripts: non-coding transcript variant (1).
Genome position (GRCh38, 1-based): chr5:14,364,698, A>C. VCF-style: chr5-14364698-A-C. GRCh37 (hg19) VCF-style: chr5-14364807-A-C.
Other names: short protein forms Q879P.
Identifiers: ClinVar variation 452640 (VCV000452640.2), dbSNP rs1554063913, ClinGen allele CA359212099.